The following is an entry in ClinVar:

NM_001365276.2(TNXB):c.8467+5G>C

Gene: TNXB (tenascin XB; minus strand). Cytogenetic location: 6p21.33.
Variant type: single nucleotide variant.
Coding change: c.8467+5G>C on transcript NM_001365276.2 (MANE Select); 5 bases into the intron after coding-DNA position 8467, G replaced by C.
Molecular consequence: intron variant.
Genome position (GRCh38, 1-based): chr6:32,055,846, C>G on the plus strand (G>C on the coding strand, the complement: TNXB is on the minus strand). VCF-style: chr6-32055846-C-G. GRCh37 (hg19) VCF-style: chr6-32023623-C-G.
Other names: c.8467+5G>C (NM_019105.8); c.9208+5G>C (NM_001428335.1).
Identifiers: ClinVar variation 3379666 (VCV003379666.1).

ClinVar aggregate classification (germline): Uncertain significance (1 of 4 stars; one submission).

Submission:

Mayo Clinic Laboratories, Mayo Clinic
Classification: Uncertain significance. Last evaluated: 2024-07-29. Review status: criteria provided, single submitter. Criteria: ACMG Guidelines, 2015. Collection method: clinical testing. Allele origin: germline. Observed: 1 variant allele.
Comment: PM2